The following is an entry in ClinVar:

NM_000245.4(MET):c.1960T>C (p.Tyr654His)

Gene: MET (MET proto-oncogene, receptor tyrosine kinase; plus strand). Cytogenetic location: 7q31.2.
Variant type: single nucleotide variant.
Coding change: c.1960T>C on transcript NM_000245.4 (MANE Select); coding-DNA position 1960, T replaced by C.
Protein change: p.Tyr654His; replaces tyrosine 654 with histidine.
Molecular consequence: missense variant.
Genome position (GRCh38, 1-based): chr7:116,757,534, T>C. VCF-style: chr7-116757534-T-C. GRCh37 (hg19) VCF-style: chr7-116397588-T-C.
Other names: c.1960T>C, p.Tyr654His (NM_001127500.3, NM_001324401.3); c.670T>C, p.Tyr224His (NM_001324402.2); short protein forms Y224H, Y654H.
Identifiers: ClinVar variation 3232920 (VCV003232920.1), dbSNP rs2116921361, ClinGen allele CA368979530.

ClinVar aggregate classification (germline): Uncertain significance (1 of 4 stars; one submission).

Conditions:
Hereditary cancer-predisposing syndrome. Also called: Neoplastic Syndromes, Hereditary; Tumor predisposition; Hereditary neoplastic syndrome; Hereditary Cancer Syndrome. Identifiers: Orphanet 140162, MedGen C0027672, MeSH D009386, MONDO:0015356.

Submission:

Ambry Genetics
Classification: Uncertain significance for Hereditary cancer-predisposing syndrome. Last evaluated: 2023-10-12. Review status: criteria provided, single submitter. Criteria: Ambry Variant Classification Scheme 2023. Collection method: clinical testing. Allele origin: germline.
Comment: The p.Y654H variant (also known as c.1960T>C), located in coding exon 6 of the MET gene, results from a T to C substitution at nucleotide position 1960. The tyrosine at codon 654 is replaced by histidine, an amino acid with similar properties. This amino acid position is highly conserved in available vertebrate species. In addition, this alteration is predicted to be deleterious by in silico analysis. Since supporting evidence is limited at this time, the clinical significance of this alteration remains unclear.